The following is an entry in ClinVar:

NM_000400.4(ERCC2):c.586C>T (p.Arg196Ter)

Gene: ERCC2 (ERCC excision repair 2, TFIIH core complex helicase subunit; minus strand). Cytogenetic location: 19q13.32.
Variant type: single nucleotide variant.
Coding change: c.586C>T on transcript NM_000400.4 (MANE Select); coding-DNA position 586, C replaced by T.
Protein change: p.Arg196Ter; replaces arginine 196 with a stop codon.
Molecular consequence: nonsense.
Genome position (GRCh38, 1-based): chr19:45,364,846, G>A on the plus strand (C>T on the coding strand, the complement: ERCC2 is on the minus strand). VCF-style: chr19-45364846-G-A. GRCh37 (hg19) VCF-style: chr19-45868104-G-A.
Other names: c.514C>T, p.Arg172Ter (NM_001130867.2); short protein forms R172*, R196*.
Identifiers: ClinVar variation 2184510 (VCV002184510.6), dbSNP rs2514033848, ClinGen allele CA406375604.

ClinVar aggregate classification (germline): Pathogenic. Review status: criteria provided, multiple submitters, no conflicts (2 of 4 stars). 3 submissions from 3 submitters: Pathogenic (3). Last evaluated 2024-05-18.

Conditions:
Cerebrooculofacioskeletal syndrome 2 (COFS2). Identifiers: MedGen C1853102, MONDO:0012553, OMIM 610756.
ERCC2-related disorder. Also called: ERCC2-related conditions; ERCC2-related condition; ERCC2-related disorders. Identifiers: MedGen CN239291.

gnomAD v4.1: 3 of 1,611,186 alleles (0.00019%); highest among the groups gnomAD compares: East Asian, 0.0022%; no homozygotes.

Submissions (3):

Myriad Genetics, Inc.
Classification: Pathogenic for ERCC2-related disorder. Last evaluated: 2024-05-18. Review status: criteria provided, single submitter. Criteria: Myriad Autosomal Dominant, Autosomal Recessive and X-Linked Classification Criteria (2023). Collection method: clinical testing. Allele origin: unknown.
Comment: NM_000400.3(ERCC2):c.586C>T(R196*) is expected to be pathogenic in the context of ERCC2-related disorders. This variant is predicted to lead to an abnormal or absent protein product due to the creation of a premature termination codon in ERCC2, a gene where loss-of-function variants are known to be pathogenic. Please note: this variant was assessed in the context of healthy population screening.

Labcorp Genetics (formerly Invitae), Labcorp
Classification: Pathogenic. Last evaluated: 2023-12-12. Review status: criteria provided, single submitter. Criteria: Invitae Variant Classification Sherloc (09022015). Collection method: clinical testing. Allele origin: germline.
Comment: This sequence change creates a premature translational stop signal (p.Arg196*) in the ERCC2 gene. It is expected to result in an absent or disrupted protein product. Loss-of-function variants in ERCC2 are known to be pathogenic (PMID: 9238033, 11335038, 19085937, 19934020). This variant is not present in population databases (gnomAD no frequency). This variant has not been reported in the literature in individuals affected with ERCC2-related conditions. ClinVar contains an entry for this variant (Variation ID: 2184510). Algorithms developed to predict the effect of sequence changes on RNA splicing suggest that this variant may disrupt the consensus splice site. For these reasons, this variant has been classified as Pathogenic.

Baylor Genetics
Classification: Pathogenic for Cerebrooculofacioskeletal syndrome 2. Last evaluated: 2023-11-11. Review status: criteria provided, single submitter. Criteria: ACMG Guidelines, 2015. Collection method: clinical testing. Allele origin: unknown.

Literature cited by the submitters: PubMed 9238033 (cited by Labcorp Genetics (formerly Invitae), Labcorp); PubMed 11335038 (cited by Labcorp Genetics (formerly Invitae), Labcorp); PubMed 19085937 (cited by Labcorp Genetics (formerly Invitae), Labcorp); PubMed 19934020 (cited by Labcorp Genetics (formerly Invitae), Labcorp).